The following is an entry in ClinVar:

NM_000257.4(MYH7):c.4506C>A (p.Asn1502Lys)

Genes: MHRT (myosin heavy chain associated RNA transcript; plus strand), MYH7 (myosin heavy chain 7; minus strand). Cytogenetic location: 14q11.2.
Variant type: single nucleotide variant.
Coding change: c.4506C>A on transcript NM_000257.4 (MANE Select); coding-DNA position 4506, C replaced by A.
Protein change: p.Asn1502Lys; replaces asparagine 1502 with lysine.
Molecular consequence: missense variant.
Genome position (GRCh38, 1-based): chr14:23,417,166, G>T on the plus strand (C>A on the coding strand, the complement: MYH7 is on the minus strand). VCF-style: chr14-23417166-G-T. GRCh37 (hg19) VCF-style: chr14-23886375-G-T.
Other names: c.4506C>A, p.Asn1502Lys (NM_001407004.1); short protein forms N1502K.
Identifiers: ClinVar variation 2579866 (VCV002579866.1), dbSNP rs2502249759, ClinGen allele CA389038269.

ClinVar aggregate classification (germline): Uncertain significance (1 of 4 stars; one submission).

Submission:

GeneDx
Classification: Uncertain significance. Last evaluated: 2023-03-15. Review status: criteria provided, single submitter. Criteria: GeneDx Variant Classification Process June 2021. Collection method: clinical testing. Allele origin: germline. Affected: yes.
Comment: Not observed at significant frequency in large population cohorts (gnomAD); In silico analysis supports that this missense variant has a deleterious effect on protein structure/function; Has not been previously published as pathogenic or benign to our knowledge